The following is an entry in ClinVar:

NM_004104.5(FASN):c.4213C>T (p.Arg1405Trp)

Gene: FASN (fatty acid synthase; minus strand). Cytogenetic location: 17q25.3.
Variant type: single nucleotide variant.
Coding change: c.4213C>T on transcript NM_004104.5 (MANE Select); coding-DNA position 4213, C replaced by T.
Protein change: p.Arg1405Trp; replaces arginine 1405 with tryptophan.
Molecular consequence: missense variant.
Genome position (GRCh38, 1-based): chr17:82,085,312, G>A on the plus strand (C>T on the coding strand, the complement: FASN is on the minus strand). VCF-style: chr17-82085312-G-A. GRCh37 (hg19) VCF-style: chr17-80043188-G-A.
Other names: short protein forms R1405W.
Identifiers: ClinVar variation 2191130 (VCV002191130.4), dbSNP rs747027147, ClinGen allele CA8852149.

ClinVar aggregate classification (germline): Uncertain significance (1 of 4 stars; one submission).

Conditions:
Epileptic encephalopathy. Identifiers: MedGen C0543888, HP:0200134.

Allele frequency attached by ClinVar (database versions not stated): gnomAD 0.00001; TOPMed 0.00001.
gnomAD v4.1: 20 of 1,611,038 alleles (0.0012%); highest among the groups gnomAD compares: Non-Finnish European, 0.0016%; no homozygotes.

Submission:

Labcorp Genetics (formerly Invitae), Labcorp
Classification: Uncertain significance for Epileptic encephalopathy. Last evaluated: 2023-03-28. Review status: criteria provided, single submitter. Criteria: Invitae Variant Classification Sherloc (09022015). Collection method: clinical testing. Allele origin: germline.
Comment: This variant is present in population databases (rs747027147, gnomAD 0.003%). In summary, the available evidence is currently insufficient to determine the role of this variant in disease. Therefore, it has been classified as a Variant of Uncertain Significance. An algorithm developed to predict the effect of missense changes on protein structure and function (PolyPhen-2) suggests that this variant is likely to be disruptive. ClinVar contains an entry for this variant (Variation ID: 2191130). This variant has not been reported in the literature in individuals affected with FASN-related conditions. This sequence change replaces arginine, which is basic and polar, with tryptophan, which is neutral and slightly polar, at codon 1405 of the FASN protein (p.Arg1405Trp).